The following is an entry in ClinVar:

ClinVar aggregate classification (germline): Pathogenic/Likely pathogenic. Review status: criteria provided, multiple submitters, no conflicts (2 of 4 stars). 2 submissions from 2 submitters: Pathogenic (1); Likely pathogenic (1). Last evaluated 2026-08-06.

Conditions:
Progressive external ophthalmoplegia with mitochondrial DNA deletions, autosomal recessive 1 (PEOB1). Also called: Progressive external ophthalmoplegia, autosomal recessive 1; Autosomal Recessive Progressive External Ophthalmoplegia (arPEO). Identifiers: Orphanet 254886, MedGen C4225153, MONDO:0009783, OMIM 258450.
Progressive sclerosing poliodystrophy (MTDPS4A). Also called: Mitochondrial DNA Depletion Syndrome 4A; Alpers-Huttenlocher Syndrome (AHS); ALPERS PROGRESSIVE INFANTILE POLIODYSTROPHY; NEURONAL DEGENERATION OF CHILDHOOD WITH LIVER DISEASE, PROGRESSIVE; Alpers Syndrome; ALPERS DIFFUSE DEGENERATION OF CEREBRAL GRAY MATTER WITH HEPATIC CIRRHOSIS. Identifiers: Orphanet 726, MedGen C0205710, MONDO:0008758, OMIM 203700.

Allele frequency attached by ClinVar (database versions not stated): gnomAD exomes below 0.00001.

Submissions (2):

OLLIN Analises Genomicas, OLLIN
Classification: Likely pathogenic for Progressive external ophthalmoplegia with mitochondrial DNA deletions, autosomal recessive 1. Last evaluated: 2026-08-06. Review status: criteria provided, single submitter. Criteria: ACMG Guidelines 2015 PMID 25741868. Collection method: clinical testing. Allele origin: germline. Inheritance: Autosomal recessive inheritance.
Comment: This frameshift variant, located in exon 7 (of 23), has been reported in ClinVar (accession VCV002865640.3) and in gnomAD with an allele frequency of 0.000062%. However, to our knowledge, it has not been reported in the scientific literature. This variant causes a frameshift and introduces a premature stop codon, which is predicted to result in either a truncated protein or degradation of the mRNA via nonsense-mediated decay (NMD). According to the currently available evidence, this variant has been classified as likely pathogenic (PVS1, PM2_P).

Labcorp Genetics (formerly Invitae), Labcorp
Classification: Pathogenic for Progressive sclerosing poliodystrophy. Last evaluated: 2023-09-11. Review status: criteria provided, single submitter. Criteria: Invitae Variant Classification Sherloc (09022015). Collection method: clinical testing. Allele origin: germline.
Comment: This sequence change creates a premature translational stop signal (p.Val432Serfs*28) in the POLG gene. It is expected to result in an absent or disrupted protein product. Loss-of-function variants in POLG are known to be pathogenic (PMID: 18546365). This variant is not present in population databases (gnomAD no frequency). This variant has not been reported in the literature in individuals affected with POLG-related conditions. For these reasons, this variant has been classified as Pathogenic.

Literature cited by the submitters: PubMed 18546365 (cited by Labcorp Genetics (formerly Invitae), Labcorp).

NM_002693.3(POLG):c.1293del (p.Val432fs)

Gene: POLG (DNA polymerase gamma, catalytic subunit; minus strand). Cytogenetic location: 15q26.1.
Variant type: Deletion.
Coding change: c.1293del on transcript NM_002693.3 (MANE Select); coding-DNA position 1293, one base deleted (T; older notation c.1293delT).
Protein change: p.Val432fs; shifts the reading frame from valine 432.
Molecular consequence: frameshift variant.
Genome position (GRCh38, 1-based): chr15:89,327,307, A deleted on the plus strand (T on the coding strand, the reverse complement: POLG is on the minus strand). VCF-style (leftmost placement, unchanged base first): chr15-89327306-CA-C. GRCh37 (hg19) VCF-style: chr15-89870537-CA-C.
Other names: c.1293del, p.Val432fs (NM_001126131.2); short protein forms V432fs.
Identifiers: ClinVar variation 2865640 (VCV002865640.4), dbSNP rs2509256349, ClinGen allele CA2630253960.